The following is an entry in ClinVar:

NM_016203.4(PRKAG2):c.1585-19C>G

Gene: PRKAG2 (protein kinase AMP-activated non-catalytic subunit gamma 2; minus strand). Cytogenetic location: 7q36.1.
Variant type: single nucleotide variant.
Coding change: c.1585-19C>G on transcript NM_016203.4 (MANE Select); 19 bases into the intron before coding-DNA position 1585, C replaced by G.
Molecular consequence: intron variant.
Genome position (GRCh38, 1-based): chr7:151,560,636, G>C on the plus strand (C>G on the coding strand, the complement: PRKAG2 is on the minus strand). VCF-style: chr7-151560636-G-C. GRCh37 (hg19) VCF-style: chr7-151257722-G-C.
Other names: c.1453-19C>G (NM_001040633.2); c.1210-19C>G (NM_001304527.2); c.1213-19C>G (NM_001363698.2); c.862-19C>G (NM_001304531.2, NM_024429.2).
Identifiers: ClinVar variation 390298 (VCV000390298.5), dbSNP rs1057523714, ClinGen allele CA16605178.

ClinVar aggregate classification (germline): Likely benign. Review status: criteria provided, multiple submitters, no conflicts (2 of 4 stars). 2 submissions from 2 submitters: Likely benign (2). Last evaluated 2024-01-15.

Conditions:
Lethal congenital glycogen storage disease of heart. Also called: PHOSPHORYLASE KINASE DEFICIENCY OF HEART; GLYCOGEN STORAGE DISEASE OF HEART. Identifiers: Orphanet 439854, MedGen C1849813, MONDO:0009867, OMIM 261740.

Allele frequency attached by ClinVar (database versions not stated): gnomAD exomes below 0.00001.
gnomAD v4.1: 4 of 1,613,794 alleles (0.00025%); highest among the groups gnomAD compares: Non-Finnish European, 0.00034%; no homozygotes.

Submissions (2):

Labcorp Genetics (formerly Invitae), Labcorp
Classification: Likely benign for Lethal congenital glycogen storage disease of heart. Last evaluated: 2024-01-15. Review status: criteria provided, single submitter. Criteria: Invitae Variant Classification Sherloc (09022015). Collection method: clinical testing. Allele origin: germline.

GeneDx
Classification: Likely benign. Last evaluated: 2016-10-27. Review status: criteria provided, single submitter. Criteria: GeneDx Variant Classification (06012015). Collection method: clinical testing. Allele origin: germline. Affected: yes.
Comment: This variant is considered likely benign or benign based on one or more of the following criteria: it is a conservative change, it occurs at a poorly conserved position in the protein, it is predicted to be benign by multiple in silico algorithms, and/or has population frequency not consistent with disease.